The following is an entry in ClinVar:

ClinVar aggregate classification (germline): Uncertain significance (1 of 4 stars; one submission).

gnomAD v4.1: 1 of 1,606,802 alleles (0.000062%); highest among the groups gnomAD compares: Non-Finnish European, 0.000085%; no homozygotes.

Submission:

CeGaT Center for Human Genetics Tuebingen
Classification: Uncertain significance. Last evaluated: 2025-02-01. Review status: criteria provided, single submitter. Criteria: CeGaT Center For Human Genetics Tuebingen Variant Classification Criteria Version 2. Collection method: clinical testing. Allele origin: germline. Affected: yes. Observed: 1 variant allele.
Comment: SETD2: PM2, BP4

NM_014159.7(SETD2):c.4520A>T (p.Asp1507Val)

Gene: SETD2 (SET domain containing 2, histone lysine methyltransferase; minus strand). Cytogenetic location: 3p21.31.
Variant type: single nucleotide variant.
Coding change: c.4520A>T on transcript NM_014159.7 (MANE Select); coding-DNA position 4520, A replaced by T.
Protein change: p.Asp1507Val; replaces aspartic acid 1507 with valine.
Molecular consequence: missense variant. On other transcripts: non-coding transcript variant (1).
Genome position (GRCh38, 1-based): chr3:47,116,689, T>A on the plus strand (A>T on the coding strand, the complement: SETD2 is on the minus strand). VCF-style: chr3-47116689-T-A. GRCh37 (hg19) VCF-style: chr3-47158179-T-A.
Other names: c.4388A>T, p.Asp1463Val (NM_001349370.3); short protein forms D1463V, D1507V.
Identifiers: ClinVar variation 3772558 (VCV003772558.13).